The following is an entry in ClinVar:

ClinVar aggregate classification (germline): Uncertain significance (1 of 4 stars; one submission).

Allele frequency attached by ClinVar (database versions not stated): gnomAD exomes 0.00001; ExAC 0.00002.
gnomAD v4.1: 3 of 1,612,312 alleles (0.00019%); highest among the groups gnomAD compares: Admixed American, 0.005%; no homozygotes.

Submission:

Labcorp Genetics (formerly Invitae), Labcorp
Classification: Uncertain significance. Last evaluated: 2025-12-02. Review status: criteria provided, single submitter. Criteria: Invitae Variant Classification Sherloc (09022015). Collection method: clinical testing. Allele origin: germline.
Comment: This sequence change replaces alanine, which is neutral and non-polar, with threonine, which is neutral and polar, at codon 660 of the ITSN2 protein (p.Ala660Thr). This variant is present in population databases (rs780248525, gnomAD 0.009%). This variant has not been reported in the literature in individuals affected with ITSN2-related conditions. ClinVar contains an entry for this variant (Variation ID: 2872945). Experimental studies and prediction algorithms are not available or were not evaluated, and the functional significance of this variant is currently unknown. In summary, the available evidence is currently insufficient to determine the role of this variant in disease. Therefore, it has been classified as a Variant of Uncertain Significance.

NM_006277.3(ITSN2):c.1978G>A (p.Ala660Thr)

Gene: ITSN2 (intersectin 2; minus strand). Cytogenetic location: 2p23.3.
Variant type: single nucleotide variant.
Coding change: c.1978G>A on transcript NM_006277.3 (MANE Select); coding-DNA position 1978, G replaced by A.
Protein change: p.Ala660Thr; replaces alanine 660 with threonine.
Molecular consequence: missense variant.
Genome position (GRCh38, 1-based): chr2:24,275,816, C>T on the plus strand (G>A on the coding strand, the complement: ITSN2 is on the minus strand). VCF-style: chr2-24275816-C-T. GRCh37 (hg19) VCF-style: chr2-24498685-C-T.
Other names: c.1855G>A, p.Ala619Thr (NM_001348184.2); c.1978G>A, p.Ala660Thr (NM_001348185.2, NM_147152.3); c.1897G>A, p.Ala633Thr (NM_001348186.2, NM_019595.4, NM_001348182.2 and 1 more transcripts); c.1936G>A, p.Ala646Thr (NM_001348181.2); short protein forms A633T, A660T, A619T, A646T.
Identifiers: ClinVar variation 2872945 (VCV002872945.3), dbSNP rs780248525, ClinGen allele CA1551322.